The following is an entry in ClinVar:

ClinVar aggregate classification (germline): Likely benign (0 of 4 stars; one submission).

Conditions:
AFF4-related disorder. Also called: AFF4-related condition.

gnomAD v4.1: 3 of 1,593,746 alleles (0.00019%); highest among the groups gnomAD compares: Admixed American, 0.0017%; no homozygotes.

Submission:

PreventionGenetics, part of Exact Sciences
Classification: Likely benign for AFF4-related condition. Last evaluated: 2022-01-12. Review status: no assertion criteria provided. Collection method: clinical testing. Allele origin: germline.
Comment: This variant is classified as likely benign based on ACMG/AMP sequence variant interpretation guidelines (Richards et al. 2015 PMID: 25741868, with internal and published modifications).

NM_014423.4(AFF4):c.1133+8T>G

Gene: AFF4 (ALF transcription elongation factor 4; minus strand). Cytogenetic location: 5q31.1.
Variant type: single nucleotide variant.
Coding change: c.1133+8T>G on transcript NM_014423.4 (MANE Select); 8 bases into the intron after coding-DNA position 1133, T replaced by G.
Molecular consequence: intron variant.
Genome position (GRCh38, 1-based): chr5:132,902,434, A>C on the plus strand (T>G on the coding strand, the complement: AFF4 is on the minus strand). VCF-style: chr5-132902434-A-C. GRCh37 (hg19) VCF-style: chr5-132238126-A-C.
Identifiers: ClinVar variation 3350406 (VCV003350406.1).